The following is an entry in ClinVar:

NM_138694.4(PKHD1):c.8554+5G>C

Gene: PKHD1 (PKHD1 ciliary IPT domain containing fibrocystin/polyductin; minus strand). Cytogenetic location: 6p12.3.
Variant type: single nucleotide variant.
Coding change: c.8554+5G>C on transcript NM_138694.4 (MANE Select); 5 bases into the intron after coding-DNA position 8554, G replaced by C.
Molecular consequence: intron variant.
Genome position (GRCh38, 1-based): chr6:51,775,803, C>G on the plus strand (G>C on the coding strand, the complement: PKHD1 is on the minus strand). VCF-style: chr6-51775803-C-G. GRCh37 (hg19) VCF-style: chr6-51640601-C-G.
Other names: c.8554+5G>C (NM_170724.3).
Identifiers: ClinVar variation 952409 (VCV000952409.10), dbSNP rs1402749750, ClinGen allele CA825716592.

ClinVar aggregate classification (germline): Uncertain significance. Review status: criteria provided, multiple submitters, no conflicts (2 of 4 stars). 3 submissions from 3 submitters: Uncertain significance (2). 1 of the submissions does not count toward it. Last evaluated 2026-06-28.

Conditions:
Autosomal recessive polycystic kidney disease (ARPKD). Also called: AR polycystic kidney disease. Identifiers: Orphanet 731, Orphanet 8378, MedGen C0085548, MeSH D017044, MONDO:0009889.

Allele frequency attached by ClinVar (database versions not stated): gnomAD 0.00002; TOPMed 0.00005.
gnomAD v4.1: 5 of 1,301,134 alleles (0.00038%); highest among the groups gnomAD compares: African/African-American, 0.0044%; no homozygotes.

Submissions (3):

Women's Health and Genetics/Laboratory Corporation of America, LabCorp
Classification: Uncertain significance. Last evaluated: 2026-06-28. Review status: criteria provided, single submitter. Criteria: LabCorp Variant Classification Summary - May 2015. Collection method: clinical testing. Allele origin: germline.

Labcorp Genetics (formerly Invitae), Labcorp
Classification: Uncertain significance for Autosomal recessive polycystic kidney disease. Last evaluated: 2022-08-10. Review status: criteria provided, single submitter. Criteria: Invitae Variant Classification Sherloc (09022015). Collection method: clinical testing. Allele origin: germline.
Comment: This sequence change falls in intron 54 of the PKHD1 gene. It does not directly change the encoded amino acid sequence of the PKHD1 protein. It affects a nucleotide within the consensus splice site. This variant is not present in population databases (gnomAD no frequency). This variant has not been reported in the literature in individuals affected with PKHD1-related conditions. ClinVar contains an entry for this variant (Variation ID: 952409). Variants that disrupt the consensus splice site are a relatively common cause of aberrant splicing (PMID: 17576681, 9536098). Algorithms developed to predict the effect of sequence changes on RNA splicing suggest that this variant may disrupt the consensus splice site. In summary, the available evidence is currently insufficient to determine the role of this variant in disease. Therefore, it has been classified as a Variant of Uncertain Significance.

Natera, Inc.
Classification: Uncertain significance for Autosomal recessive polycystic kidney disease. Last evaluated: 2019-06-12. Review status: no assertion criteria provided. Collection method: clinical testing. Allele origin: germline. Not counted in ClinVar's aggregate classification.

Literature cited by the submitters: PubMed 17576681 (cited by Labcorp Genetics (formerly Invitae), Labcorp); PubMed 9536098 (cited by Labcorp Genetics (formerly Invitae), Labcorp).